The following is an entry in ClinVar:

ClinVar aggregate classification (germline): Uncertain significance. Review status: criteria provided, multiple submitters, no conflicts (2 of 4 stars). 2 submissions from 2 submitters: Uncertain significance (2). Last evaluated 2023-01-10.

Conditions:
Cerebral arteriopathy, autosomal dominant, with subcortical infarcts and leukoencephalopathy, type 1 (CADASIL1). Also called: DEMENTIA, HEREDITARY MULTIINFARCT TYPE; CADASIL 1; CASIL; Cerebral arteriopathy with subcortical infarcts and leukoencephalopathy 1. Identifiers: Orphanet 136, MedGen C4551768, MONDO:0000914, OMIM 125310.

gnomAD v4.1: 4 of 1,614,158 alleles (0.00025%); highest among the groups gnomAD compares: South Asian, 0.0044%; no homozygotes.

Submissions (2):

Labcorp Genetics (formerly Invitae), Labcorp
Classification: Uncertain significance. Last evaluated: 2023-01-10. Review status: criteria provided, single submitter. Criteria: Invitae Variant Classification Sherloc (09022015). Collection method: clinical testing. Allele origin: germline.
Comment: In summary, the available evidence is currently insufficient to determine the role of this variant in disease. Therefore, it has been classified as a Variant of Uncertain Significance. Advanced modeling of protein sequence and biophysical properties (such as structural, functional, and spatial information, amino acid conservation, physicochemical variation, residue mobility, and thermodynamic stability) performed at Invitae indicates that this missense variant is not expected to disrupt NOTCH3 protein function. This variant has not been reported in the literature in individuals affected with NOTCH3-related conditions. This variant is present in population databases (no rsID available, gnomAD 0.003%). This sequence change replaces aspartic acid, which is acidic and polar, with glutamic acid, which is acidic and polar, at codon 599 of the NOTCH3 protein (p.Asp599Glu).

Neuberg Centre For Genomic Medicine, NCGM
Classification: Uncertain significance for Cerebral arteriopathy, autosomal dominant, with subcortical infarcts and leukoencephalopathy, type 1. Review status: criteria provided, single submitter. Criteria: ACMG Guidelines, 2015. Collection method: clinical testing. Allele origin: germline. Inheritance: Autosomal dominant inheritance. Affected: yes.
Comment: The missense variant c.1797C>G p.Asp599Glu in the NOTCH3 gene has not been reported previously as a pathogenic variant nor as a benign variant, to our knowledge. This variant is reported with the allele frequency 0.0003% in the gnomAD Exomes. The amino acid Asp at position 599 is changed to a Glu changing protein sequence and it might alter its composition and physico-chemical properties. Multiple lines of computational evidence Polyphen - Damaging, SIFT - Damaging and MutationTaster - Disease causing predict a damaging effect on protein structure and function for this variant. The amino acid change p.Asp599Glu in NOTCH3 is predicted as conserved by GERP++ and PhyloP across 100 vertebrates. For these reasons, this variant has been classified as Uncertain Significance.

NM_000435.3(NOTCH3):c.1797C>G (p.Asp599Glu)

Gene: NOTCH3 (notch receptor 3; minus strand). Cytogenetic location: 19p13.12.
Variant type: single nucleotide variant.
Coding change: c.1797C>G on transcript NM_000435.3 (MANE Select); coding-DNA position 1797, C replaced by G.
Protein change: p.Asp599Glu; replaces aspartic acid 599 with glutamic acid.
Molecular consequence: missense variant.
Genome position (GRCh38, 1-based): chr19:15,187,148, G>C on the plus strand (C>G on the coding strand, the complement: NOTCH3 is on the minus strand). VCF-style: chr19-15187148-G-C. GRCh37 (hg19) VCF-style: chr19-15297959-G-C.
Other names: short protein forms D599E.
Identifiers: ClinVar variation 2980920 (VCV002980920.4), dbSNP rs1368546011, ClinGen allele CA404524726.